The following is an entry in ClinVar:

ClinVar aggregate classification (germline): Uncertain significance (1 of 4 stars; one submission).

Submission:

CeGaT Center for Human Genetics Tuebingen
Classification: Uncertain significance. Last evaluated: 2026-01-01. Review status: criteria provided, single submitter. Criteria: CeGaT Center For Human Genetics Tuebingen Variant Classification Criteria Version 2. Collection method: clinical testing. Allele origin: germline. Affected: yes. Observed: 1 variant allele.
Comment: POLR1D: PVS1:Supporting

NM_015972.4(POLR1D):c.2T>C (p.Met1Thr)

Genes: POLR1D (RNA polymerase I and III subunit D; plus strand), LOC130009445 (ATAC-STARR-seq lymphoblastoid silent region 5204; plus strand), LOC147380392 (uncharacterized LOC147380392; plus strand). Cytogenetic location: 13q12.2.
Variant type: single nucleotide variant.
Coding change: c.2T>C on transcript NM_015972.4 (MANE Select); coding-DNA position 2, T replaced by C.
Protein change: p.Met1Thr; changes the start codon (methionine 1).
Molecular consequence: missense variant, initiator codon variant. On other transcripts: intron variant (1).
Genome position (GRCh38, 1-based): chr13:27,621,985, T>C. VCF-style: chr13-27621985-T-C. GRCh37 (hg19) VCF-style: chr13-28196122-T-C.
Other names: c.2T>C, p.Met1Thr (NM_001374407.1, NM_152705.3); c.-59+845T>C (NM_001206559.2); short protein forms M1T.
Identifiers: ClinVar variation 4822976 (VCV004822976.4).